The following is an entry in ClinVar:

NM_000038.6(APC):c.5782C>G (p.Gln1928Glu)

Gene: APC (APC regulator of Wnt signaling pathway; plus strand). Cytogenetic location: 5q22.2.
Variant type: single nucleotide variant.
Coding change: c.5782C>G on transcript NM_000038.6 (MANE Select); coding-DNA position 5782, C replaced by G.
Protein change: p.Gln1928Glu; replaces glutamine 1928 with glutamic acid.
Molecular consequence: missense variant.
Genome position (GRCh38, 1-based): chr5:112,841,376, C>G. VCF-style: chr5-112841376-C-G. GRCh37 (hg19) VCF-style: chr5-112177073-C-G.
Other names: c.5782C>G, p.Gln1928Glu (NM_001127510.3, NM_001354895.2); c.5728C>G, p.Gln1910Glu (NM_001127511.3); c.5836C>G, p.Gln1946Glu (NM_001354896.2); c.5812C>G, p.Gln1938Glu (NM_001354897.2); c.5707C>G, p.Gln1903Glu (NM_001354898.2); c.5698C>G, p.Gln1900Glu (NM_001354899.2); c.5659C>G, p.Gln1887Glu (NM_001354900.2); c.5605C>G, p.Gln1869Glu (NM_001354901.2); and 5 more; short protein forms Q1910E, Q1928E, Q1768E, Q1827E, Q1837E, Q1903E, Q1802E, Q1900E.
Identifiers: ClinVar variation 490319 (VCV000490319.14), dbSNP rs1186128913, ClinGen allele CA16033980.

ClinVar aggregate classification (germline): Uncertain significance. Review status: criteria provided, multiple submitters, no conflicts (2 of 4 stars). 4 submissions from 4 submitters: Uncertain significance (4). Last evaluated 2025-01-27.

Conditions:
Familial adenomatous polyposis 1 (FAP1). Also called: POLYPOSIS, ADENOMATOUS INTESTINAL; FAMILIAL ADENOMATOUS POLYPOSIS 1, ATTENUATED. Identifiers: MedGen C2713442, MONDO:0021056, OMIM 175100. Disease mechanism: loss of function.
Hereditary cancer-predisposing syndrome. Also called: Hereditary Cancer Syndrome; Neoplastic Syndromes, Hereditary; Tumor predisposition; Hereditary neoplastic syndrome. Identifiers: Orphanet 140162, MedGen C0027672, MeSH D009386, MONDO:0015356.

Allele frequency attached by ClinVar (database versions not stated): gnomAD exomes below 0.00001.
gnomAD v4.1: 2 of 1,613,594 alleles (0.00012%); highest among the groups gnomAD compares: Middle Eastern, 0.017%; no homozygotes.

Submissions (4):

GeneDx
Classification: Uncertain significance. Last evaluated: 2025-01-27. Review status: criteria provided, single submitter. Criteria: GeneDx Variant Classification Process June 2021. Collection method: clinical testing. Allele origin: germline. Affected: yes.
Comment: Not observed at significant frequency in large population cohorts (gnomAD); In silico analysis indicates that this missense variant does not alter protein structure/function; Has not been previously published as pathogenic or benign to our knowledge; This variant is associated with the following publications: (PMID: 18199528)

Labcorp Genetics (formerly Invitae), Labcorp
Classification: Uncertain significance for Familial adenomatous polyposis 1. Last evaluated: 2024-09-14. Review status: criteria provided, single submitter. Criteria: Invitae Variant Classification Sherloc (09022015). Collection method: clinical testing. Allele origin: germline.
Comment: This sequence change replaces glutamine, which is neutral and polar, with glutamic acid, which is acidic and polar, at codon 1928 of the APC protein (p.Gln1928Glu). This variant is present in population databases (no rsID available, gnomAD 0.0009%). This variant has not been reported in the literature in individuals affected with APC-related conditions. ClinVar contains an entry for this variant (Variation ID: 490319). Invitae Evidence Modeling of protein sequence and biophysical properties (such as structural, functional, and spatial information, amino acid conservation, physicochemical variation, residue mobility, and thermodynamic stability) indicates that this missense variant is not expected to disrupt APC protein function with a negative predictive value of 95%. In summary, the available evidence is currently insufficient to determine the role of this variant in disease. Therefore, it has been classified as a Variant of Uncertain Significance.

Ambry Genetics
Classification: Uncertain significance for Hereditary cancer-predisposing syndrome. Last evaluated: 2024-06-30. Review status: criteria provided, single submitter. Criteria: Ambry Variant Classification Scheme 2023. Collection method: clinical testing. Allele origin: germline.
Comment: The p.Q1928E variant (also known as c.5782C>G), located in coding exon 15 of the APC gene, results from a C to G substitution at nucleotide position 5782. The glutamine at codon 1928 is replaced by glutamic acid, an amino acid with highly similar properties. This amino acid position is conserved. In addition, in silico predictors for this gene do not accurately predict pathogenicity. Based on the available evidence, the clinical significance of this variant remains unclear.

Color Diagnostics, LLC DBA Color Health
Classification: Uncertain significance for Hereditary cancer-predisposing syndrome. Last evaluated: 2019-03-16. Review status: criteria provided, single submitter. Criteria: ACMG Guidelines, 2015. Collection method: clinical testing. Allele origin: germline.